The following is an entry in ClinVar:

ClinVar aggregate classification (germline): Uncertain significance (1 of 4 stars; one submission).

Conditions:
MC4R-related disorder. Also called: MC4R-related condition.

Submission:

PreventionGenetics, part of Exact Sciences
Classification: Uncertain significance for MC4R-related condition. Last evaluated: 2025-04-14. Review status: criteria provided, single submitter. Criteria: ACMG Guidelines, 2015. Collection method: clinical testing. Allele origin: germline.
Comment: The MC4R c.583A>G variant is predicted to result in the amino acid substitution p.Ile195Val. This variant was reported in a control individual in an obesity study (Calton et al. 2009. PubMed ID: 19091795). This variant is reported in 0.0039% of alleles in individuals of European (Non-Finnish) descent in gnomAD. At this time, the clinical significance of this variant is uncertain due to the absence of conclusive functional and genetic evidence.

NM_005912.3(MC4R):c.583A>G (p.Ile195Val)

Gene: MC4R (melanocortin 4 receptor; minus strand). Cytogenetic location: 18q21.32.
Variant type: single nucleotide variant.
Coding change: c.583A>G on transcript NM_005912.3 (MANE Select); coding-DNA position 583, A replaced by G.
Protein change: p.Ile195Val; replaces isoleucine 195 with valine.
Molecular consequence: missense variant.
Genome position (GRCh38, 1-based): chr18:60,371,767, T>C on the plus strand (A>G on the coding strand, the complement: MC4R is on the minus strand). VCF-style: chr18-60371767-T-C. GRCh37 (hg19) VCF-style: chr18-58039000-T-C.
Other names: short protein forms I195V.
Identifiers: ClinVar variation 3351092 (VCV003351092.2).